The following is an entry in ClinVar:

ClinVar aggregate classification (germline): Uncertain significance (1 of 4 stars; one submission).

Conditions:
Developmental delay, impaired speech, and behavioral abnormalities. Identifiers: MedGen C5561957, MONDO:0859178, OMIM 619475.

Submission:

Victorian Clinical Genetics Services, Murdoch Childrens Research Institute
Classification: Uncertain significance for Developmental delay, impaired speech, and behavioral abnormalities. Last evaluated: 2023-07-17. Review status: criteria provided, single submitter. Criteria: ACMG Guidelines, 2015. Collection method: clinical testing. Allele origin: germline. Inheritance: Autosomal dominant inheritance. Affected: yes.
Comment: Based on the classification scheme VCGS_Germline_v1.3.4, this variant is classified as VUS-3B. Following criteria are met: 0102 - Loss of function is a known mechanism of disease in this gene and is associated with developmental delay, impaired speech, and behavioural abnormalities (MIM#619475). (I) 0107 - This gene is associated with autosomal dominant disease. (I) 0200 - Variant is predicted to result in a missense amino acid change from threonine to alanine. (I) 0251 - This variant is heterozygous. (I) 0301 - Variant is absent from gnomAD (both v2 and v3). (SP) 0309 - Multiple alternative amino acid changes at the same position have been observed in gnomAD (v2 and v3) (highest allele count: 4 heterozygotes, 0 homozygotes). (I) 0503 - Missense variant consistently predicted to be tolerated by multiple in silico tools or not conserved in placental mammals with a minor amino acid change. (SB) 0600 - Variant is located in the annotated spectrin domain (DECIPHER). (I) 0705 - No comparable missense variants have previous evidence for pathogenicity. (I) 0807 - This variant has no previous evidence of pathogenicity. (I) 0905 - No published segregation evidence has been identified for this variant. (I) 1007 - No published functional evidence has been identified for this variant. (I) 1208 - Inheritance information for this variant is not currently available in this individual. (I) Legend: (SP) - Supporting pathogenic, (I) - Information, (SB) - Supporting benign

NM_003128.3(SPTBN1):c.2512A>G (p.Thr838Ala)

Gene: SPTBN1 (spectrin beta, non-erythrocytic 1; plus strand). Cytogenetic location: 2p16.2.
Variant type: single nucleotide variant.
Coding change: c.2512A>G on transcript NM_003128.3 (MANE Select); coding-DNA position 2512, A replaced by G.
Protein change: p.Thr838Ala; replaces threonine 838 with alanine.
Molecular consequence: missense variant.
Genome position (GRCh38, 1-based): chr2:54,629,646, A>G. VCF-style: chr2-54629646-A-G. GRCh37 (hg19) VCF-style: chr2-54856783-A-G.
Other names: c.2473A>G, p.Thr825Ala (NM_178313.3); short protein forms T825A, T838A.
Identifiers: ClinVar variation 3254917 (VCV003254917.1), dbSNP rs1572711190.